The following is an entry in ClinVar:

ClinVar aggregate classification (germline): Pathogenic (1 of 4 stars; one submission).

Submission:

Quest Diagnostics Nichols Institute San Juan Capistrano
Classification: Pathogenic. Last evaluated: 2023-04-27. Review status: criteria provided, single submitter. Criteria: ACMG/ClinGen CNV Guidelines, 2019. Collection method: clinical testing. Allele origin: unknown.
Comment: The 16q22.1q23.2 duplication involves numerous protein-coding genes. Individuals harboring duplications spanning 16q22 have displayed variable clinical features (Laus 2012, Tokutomi 2009, Carvalho 2021). A single report identified two duplications, one with a breakpoint within HYDIN (OMIM 610812) and the other including a full copy of HYDIN, in individuals with autism spectrum disorder (Girirajan 2013). Therefore, this copy number variant is classified as pathogenic. _x000D__x000D_ References:_x000D__x000D_ Carvalho et al., Cytogenet Genome Res. 2021;161(3-4):160-166. PMID: 34107486_x000D__x000D_ Laus et al., Am J Med Genet A. 2012 Apr;158A(4):821-7. PMID: 22354628_x000D__x000D_ Girirajan et al., Am J Hum Genet. 2013 Feb 7;92(2):221-37. PMID: 23375656 _x000D__x000D_ Tokutomi et al., Am J Med Genet A. 2009 Nov;149A(11):2560-3. PMID: 19842195_x000D__x000D_

GRCh37/hg19 16q22.1-23.2(chr16:70607067-81561138)x3

Genes: ADAMTS18 (ADAM metallopeptidase with thrombospondin type 1 motif 18; minus strand), ADAT1 (adenosine deaminase tRNA specific 1; minus strand), AP1G1 (adaptor related protein complex 1 subunit gamma 1; minus strand), ATMIN (ATM interactor; plus strand), ATXN1L (ataxin 1 like; plus strand) and 64 more. Cytogenetic location: 16q22.1-23.2.
Variant type: copy number gain.
Change: copy number 3 (three copies instead of two) of chr16:70,607,067-81,561,138 (10.95 Mb, GRCh37 coordinates, 1-based), cytogenetic band 16q22.1-23.2.
Identifiers: ClinVar variation 2684813 (VCV002684813.1).